The following is an entry in ClinVar:

ClinVar aggregate classification (germline): Uncertain significance. Review status: criteria provided, multiple submitters, no conflicts (2 of 4 stars). 2 submissions from 2 submitters: Uncertain significance (2). Last evaluated 2022-02-01.

Conditions:
Cornelia de Lange syndrome 1 (CDLS1). Also called: NIPBL-Related Cornelia de Lange Syndrome; TYPUS DEGENERATIVUS AMSTELODAMENSIS; Brachmann de Lange syndrome. Identifiers: Orphanet 199, MedGen C4551851, MONDO:0007387, OMIM 122470.

Submissions (2):

Daryl Scott Lab, Baylor College of Medicine
Classification: Uncertain significance for Cornelia de Lange syndrome 1. Last evaluated: 2022-02-01. Review status: criteria provided, single submitter. Criteria: ACMG Guidelines, 2015. Collection method: clinical testing. Allele origin: unknown. Observed: 1 variant allele.

Baylor Genetics
Classification: Uncertain significance for Cornelia de Lange syndrome 1. Last evaluated: 2019-07-18. Review status: criteria provided, single submitter. Criteria: ACMG Guidelines, 2015. Collection method: clinical testing. Allele origin: unknown. Affected: yes.
Comment: This variant was determined to be of uncertain significance according to ACMG Guidelines, 2015 [PMID:25741868].

Literature cited by the submitters: PubMed 36474027 (cited by Daryl Scott Lab, Baylor College of Medicine).

NM_133433.4(NIPBL):c.1849G>A (p.Glu617Lys)

Gene: NIPBL (NIPBL cohesin loading factor; plus strand). Cytogenetic location: 5p13.2.
Variant type: single nucleotide variant.
Coding change: c.1849G>A on transcript NM_133433.4 (MANE Select); coding-DNA position 1849, G replaced by A.
Protein change: p.Glu617Lys; replaces glutamic acid 617 with lysine.
Molecular consequence: missense variant.
Genome position (GRCh38, 1-based): chr5:36,985,029, G>A. VCF-style: chr5-36985029-G-A. GRCh37 (hg19) VCF-style: chr5-36985131-G-A.
Other names: c.1849G>A, p.Glu617Lys (NM_015384.5); short protein forms E617K.
Identifiers: ClinVar variation 1031109 (VCV001031109.2), dbSNP rs1744586399, ClinGen allele CA359495389.